The following is an entry in ClinVar:

ClinVar aggregate classification (germline): Benign. Review status: criteria provided, multiple submitters, no conflicts (2 of 4 stars). 3 submissions from 3 submitters: Benign (3). Last evaluated 2018-06-18.

Conditions:
Autosomal recessive limb-girdle muscular dystrophy type 2K. Also called: MUSCULAR DYSTROPHY-DYSTROGLYCANOPATHY (LIMB-GIRDLE), TYPE C, 1; MUSCULAR DYSTROPHY, LIMB-GIRDLE, TYPE 2K. Identifiers: Orphanet 86812, MedGen C1836373, MONDO:0012248, OMIM 609308.

Allele frequency attached by ClinVar (database versions not stated): TOPMed 0.97506; 1000 Genomes Project 30x 0.98017; 1000 Genomes Project 0.98123; gnomAD exomes 0.99686.

Submissions (3):

GeneDx
Classification: Benign. Last evaluated: 2018-06-18. Review status: criteria provided, single submitter. Criteria: GeneDx Variant Classification Process June 2021. Collection method: clinical testing. Allele origin: germline. Affected: yes.

Illumina Laboratory Services, Illumina
Classification: Benign for Autosomal recessive limb-girdle muscular dystrophy type 2K. Last evaluated: 2018-01-13. Review status: criteria provided, single submitter. Criteria: ICSL Variant Classification Criteria 13 December 2019. Collection method: clinical testing. Allele origin: germline.
Comment: This variant was observed in the ICSL laboratory as part of a predisposition screen in an ostensibly healthy population. It had not been previously curated by ICSL or reported in the Human Gene Mutation Database (HGMD: prior to June 1st, 2018), and was therefore a candidate for classification through an automated scoring system. Utilizing variant allele frequency, disease prevalence and penetrance estimates, and inheritance mode, an automated score was calculated to assess if this variant is too frequent to cause the disease. Based on the score and internal cut-off values, a variant classified as benign is not then subjected to further curation. The score for this variant resulted in a classification of benign for this disease.

Breakthrough Genomics
Classification: Benign. Review status: criteria provided, single submitter. Criteria: ACMG Guidelines, 2015. Collection method: not provided. Allele origin: germline. Inheritance: Autosomal recessive inheritance. Affected: yes.

NM_001077365.2(POMT1):c.*285A>G

Gene: POMT1 (protein O-mannosyltransferase 1; plus strand). Cytogenetic location: 9q34.13.
Variant type: single nucleotide variant.
Coding change: c.*285A>G on transcript NM_001077365.2 (MANE Select); 285 bases downstream of the stop codon, A replaced by G.
Molecular consequence: 3 prime UTR variant. On other transcripts: non-coding transcript variant (10).
Genome position (GRCh38, 1-based): chr9:131,523,391, A>G. VCF-style: chr9-131523391-A-G. GRCh37 (hg19) VCF-style: chr9-134398778-A-G.
Other names: c.*285A>G (NM_001077366.2, NM_001136113.2, NM_001136114.2 and 15 more transcripts).
Identifiers: ClinVar variation 365291 (VCV000365291.8), dbSNP rs4740259, ClinGen allele CA10629164.